The following is an entry in ClinVar:

ClinVar aggregate classification (germline): Uncertain significance (1 of 4 stars; one submission).

gnomAD v4.1: 12 of 1,613,838 alleles (0.00074%); highest among the groups gnomAD compares: Middle Eastern, 0.033%; no homozygotes.

Submission:

Labcorp Genetics (formerly Invitae), Labcorp
Classification: Uncertain significance. Last evaluated: 2023-08-18. Review status: criteria provided, single submitter. Criteria: Invitae Variant Classification Sherloc (09022015). Collection method: clinical testing. Allele origin: germline.
Comment: This sequence change replaces alanine, which is neutral and non-polar, with glycine, which is neutral and non-polar, at codon 89 of the MYH7B protein (p.Ala89Gly). This variant is present in population databases (rs779473720, gnomAD 0.0009%). This variant has not been reported in the literature in individuals affected with MYH7B-related conditions. Advanced modeling of protein sequence and biophysical properties (such as structural, functional, and spatial information, amino acid conservation, physicochemical variation, residue mobility, and thermodynamic stability) performed at Invitae indicates that this missense variant is not expected to disrupt MYH7B protein function. In summary, the available evidence is currently insufficient to determine the role of this variant in disease. Therefore, it has been classified as a Variant of Uncertain Significance.

NM_020884.7(MYH7B):c.140C>G (p.Ala47Gly)

Gene: MYH7B (myosin heavy chain 7B; plus strand). Cytogenetic location: 20q11.22.
Variant type: single nucleotide variant.
Coding change: c.140C>G on transcript NM_020884.7 (MANE Select); coding-DNA position 140, C replaced by G.
Protein change: p.Ala47Gly; replaces alanine 47 with glycine.
Molecular consequence: missense variant.
Genome position (GRCh38, 1-based): chr20:34,979,438, C>G. VCF-style: chr20-34979438-C-G. GRCh37 (hg19) VCF-style: chr20-33567241-C-G.
Other names: short protein forms A47G.
Identifiers: ClinVar variation 2909535 (VCV002909535.3), dbSNP rs779473720, ClinGen allele CA9826320.
Genomic context (GRCh38, chr20:34,979,438, plus strand): 5'-TCTGCAACCCAGGGAAGAAGCGAGTCTGGGTGCCTGATGAACAGGACGCCTACGTGGAGG[C>G]CGAGGTCAAGTCGGAGGCTACCGGGGGCAGAGTCACCGTGGAGACCAAAGACCAGAAGGT-3'
Protein context (NP_065935.4, residues 37-57): VPDEQDAYVE[Ala47Gly]EVKSEATGGR